The following is an entry in ClinVar:

NM_006231.4(POLE):c.2340GGC[1] (p.Ala782del)

Gene: POLE (DNA polymerase epsilon, catalytic subunit; minus strand). Cytogenetic location: 12q24.33.
Variant type: Microsatellite.
Coding change: c.2340GGC[1] on transcript NM_006231.4 (MANE Select); one copy of the 3-base unit GGC starting at c.2340; the reference has two copies in a row; one copy, 3 bases deleted.
Protein change: p.Ala782del; deletes alanine 782.
Molecular consequence: inframe deletion.
Genome position (GRCh38, 1-based): chr12:132,665,425-132,665,427, GCC deleted on the plus strand (GGC on the coding strand, the reverse complement: POLE is on the minus strand); deleting any 3 consecutive bases within chr12:132,665,425-132,665,431 gives the same sequence; the position shown is the placement nearest the transcript's 3' end. VCF-style (leftmost placement, unchanged base first): chr12-132665424-GGCC-G. GRCh37 (hg19) VCF-style: chr12-133242010-GGCC-G.
Other names: c.2343_2345delGGC (NM_006231.3); short protein forms A782del.
Identifiers: ClinVar variation 422881 (VCV000422881.11), dbSNP rs1064796065, ClinGen allele CA16619470.

ClinVar aggregate classification (germline): Uncertain significance. Review status: criteria provided, multiple submitters, no conflicts (2 of 4 stars). 4 submissions from 4 submitters: Uncertain significance (3). 1 of the submissions does not count toward it. Last evaluated 2025-01-11.

Conditions:
Hereditary cancer-predisposing syndrome. Also called: Hereditary neoplastic syndrome; Neoplastic Syndromes, Hereditary; Tumor predisposition; Hereditary Cancer Syndrome. Identifiers: Orphanet 140162, MedGen C0027672, MeSH D009386, MONDO:0015356.
Colorectal cancer, susceptibility to, 12 (CRCS12). Also called: COLORECTAL CANCER, SUSCEPTIBILITY TO, ON CHROMOSOME 12q24. Identifiers: Orphanet 220460, MedGen C3554460, MONDO:0014038, OMIM 615083.

Submissions (4):

Ambry Genetics
Classification: Uncertain significance for Hereditary cancer-predisposing syndrome. Last evaluated: 2025-01-11. Review status: criteria provided, single submitter. Criteria: Ambry Variant Classification Scheme 2023. Collection method: clinical testing. Allele origin: germline.
Comment: The c.2343_2345delGGC variant (also known as p.A782del) is located in coding exon 21 of the POLE gene. This variant results from an in-frame GGC deletion at nucleotide positions 2343 to 2345. This results in the in-frame deletion of an alanine at codon 782. This amino acid position is highly conserved in available vertebrate species. In addition, this alteration is predicted to be deleterious by in silico analysis (Choi Y et al. PLoS ONE. 2012; 7(10):e46688). Based on the available evidence, the clinical significance of this variant remains unclear.

Labcorp Genetics (formerly Invitae), Labcorp
Classification: Uncertain significance. Last evaluated: 2024-11-21. Review status: criteria provided, single submitter. Criteria: Invitae Variant Classification Sherloc (09022015). Collection method: clinical testing. Allele origin: germline.
Comment: This variant, c.2343_2345del, results in the deletion of 1 amino acid(s) of the POLE protein (p.Ala782del), but otherwise preserves the integrity of the reading frame. This variant is not present in population databases (gnomAD no frequency). This variant has not been reported in the literature in individuals affected with POLE-related conditions. Experimental studies and prediction algorithms are not available or were not evaluated, and the functional significance of this variant is currently unknown. In summary, the available evidence is currently insufficient to determine the role of this variant in disease. Therefore, it has been classified as a Variant of Uncertain Significance.

GeneDx
Classification: Uncertain significance. Last evaluated: 2018-10-03. Review status: criteria provided, single submitter. Criteria: GeneDx Variant Classification (06012015). Collection method: clinical testing. Allele origin: germline. Affected: yes.
Comment: This in-frame deletion of three nucleotides in POLE is denoted c.2343_2345delGGC at the cDNA level and p.Ala782del (A782del) at the protein level. The normal sequence, with the bases that are deleted in brackets, is CGGC[delGGC]CGTG. This variant has not, to our knowledge, been published in the literature as a pathogenic or benign germline variant. POLE Ala782del was not observed in large population cohorts (Lek 2016). The deleted residue is located in the polymerase domain (Preston 2010). In silico analysis, which includes protein predictors and evolutionary conservation, supports a deleterious effect. Since in-frame deletions may or may not inhibit proper protein functioning, the clinical significance of this finding remains unclear at this time and we consider POLE Ala782del to be a variant of uncertain significance.

Counsyl
Classification: Uncertain significance for Colorectal cancer, susceptibility to, 12. Last evaluated: 2017-10-17. Review status: no assertion criteria provided. Collection method: clinical testing. Allele origin: unknown. Not counted in ClinVar's aggregate classification.